The following is an entry in ClinVar:

NM_004415.4(DSP):c.8174G>A (p.Arg2725His)

Gene: DSP (desmoplakin; plus strand). Cytogenetic location: 6p24.3.
Variant type: single nucleotide variant.
Coding change: c.8174G>A on transcript NM_004415.4 (MANE Select); coding-DNA position 8174, G replaced by A.
Protein change: p.Arg2725His; replaces arginine 2725 with histidine.
Molecular consequence: missense variant.
Genome position (GRCh38, 1-based): chr6:7,585,436, G>A. VCF-style: chr6-7585436-G-A. GRCh37 (hg19) VCF-style: chr6-7585669-G-A.
Other names: c.6377G>A, p.Arg2126His (NM_001008844.3); c.6845G>A, p.Arg2282His (NM_001319034.2); short protein forms R2126H, R2725H, R2282H.
Identifiers: ClinVar variation 926638 (VCV000926638.9), dbSNP rs776674939, ClinGen allele CA051686.

ClinVar aggregate classification (germline): Conflicting classifications of pathogenicity. Review status: criteria provided, conflicting classifications (1 of 4 stars). 3 submissions from 3 submitters: Uncertain significance (2); Likely benign (1). Last evaluated 2025-03-05.

Conditions:
Arrhythmogenic right ventricular dysplasia 8 (ARVD8). Also called: Arrhythmogenic Right Ventricular Dysplasia/Cardiomyopathy 8; ARRHYTHMOGENIC RIGHT VENTRICULAR DYSPLASIA, FAMILIAL, 8; ARRHYTHMOGENIC RIGHT VENTRICULAR CARDIOMYOPATHY 8. Identifiers: MedGen C1843896, MONDO:0011831, OMIM 607450.
Arrhythmogenic cardiomyopathy with wooly hair and keratoderma. Also called: PALMOPLANTAR KERATODERMA WITH LEFT VENTRICULAR CARDIOMYOPATHY AND WOOLLY HAIR; Carvajal syndrome; Dilated cardiomyopathy with woolly hair and keratoderma; Arrhythmogenic cardiomyopathy with woolly hair and keratoderma. Identifiers: Orphanet 65282, MedGen C1854063, MONDO:0011581, OMIM 605676.
Cardiomyopathy (CMYO). Also called: Cardiomyopathies. Identifiers: Orphanet 167848, MedGen C0878544, MONDO:0004994, HP:0001638. Inheritance: Various modes of inheritance.

Allele frequency attached by ClinVar (database versions not stated): gnomAD exomes below 0.00001 and 0.00001; ExAC 0.00001.
gnomAD v4.1: 7 of 1,614,134 alleles (0.00043%); highest among the groups gnomAD compares: South Asian, 0.0044%; no homozygotes.

Submissions (3):

Labcorp Genetics (formerly Invitae), Labcorp
Classification: Likely benign for Arrhythmogenic cardiomyopathy with wooly hair and keratoderma; Arrhythmogenic right ventricular dysplasia 8. Last evaluated: 2025-03-05. Review status: criteria provided, single submitter. Criteria: Invitae Variant Classification Sherloc (09022015). Collection method: clinical testing. Allele origin: germline.

Color Diagnostics, LLC DBA Color Health
Classification: Uncertain significance for Cardiomyopathy. Last evaluated: 2024-03-06. Review status: criteria provided, single submitter. Criteria: ACMG Guidelines, 2015. Collection method: clinical testing. Allele origin: germline.
Comment: This missense variant replaces arginine with histidine at codon 2725 of the DSP protein. Computational prediction suggests that this variant may have deleterious impact on protein structure and function (internally defined REVEL score threshold >= 0.7, PMID: 27666373). To our knowledge, functional studies have not been reported for this variant. This variant has not been reported in individuals affected with cardiovascular disorders in the literature. This variant has been identified in 2/251428 chromosomes in the general population by the Genome Aggregation Database (gnomAD). The available evidence is insufficient to determine the role of this variant in disease conclusively. Therefore, this variant is classified as a Variant of Uncertain Significance.

Clinical Genetics Laboratory, Skane University Hospital Lund
Classification: Uncertain significance. Last evaluated: 2022-05-27. Review status: criteria provided, single submitter. Criteria: ACMG Guidelines, 2015. Collection method: clinical testing. Allele origin: germline. Affected: yes.